The following is an entry in ClinVar:

NM_005228.5(EGFR):c.961G>A (p.Asp321Asn)

Gene: EGFR (epidermal growth factor receptor; plus strand). Cytogenetic location: 7p11.2.
Variant type: single nucleotide variant.
Coding change: c.961G>A on transcript NM_005228.5 (MANE Select); coding-DNA position 961, G replaced by A.
Protein change: p.Asp321Asn; replaces aspartic acid 321 with asparagine.
Molecular consequence: missense variant.
Genome position (GRCh38, 1-based): chr7:55,155,901, G>A. VCF-style: chr7-55155901-G-A. GRCh37 (hg19) VCF-style: chr7-55223594-G-A.
Other names: c.826G>A, p.Asp276Asn (NM_001346897.2, NM_001346899.2); c.961G>A, p.Asp321Asn (NM_001346898.2, NM_201282.2, NM_201283.2 and 1 more transcripts); c.802G>A, p.Asp268Asn (NM_001346900.2); c.160G>A, p.Asp54Asn (NM_001346941.2); short protein forms D321N, D268N, D54N, D276N.
Identifiers: ClinVar variation 4731613 (VCV004731613.1).
Genomic context (GRCh38, chr7:55,155,901, plus strand): 5'-GTGACAGATCACGGCTCGTGCGTCCGAGCCTGTGGGGCCGACAGCTATGAGATGGAGGAA[G>A]ACGGCGTCCGCAAGTGTAAGAAGTGCGAAGGGCCTTGCCGCAAAGGTAGGAAGCCCGCCG-3'
Protein context (NP_005219.2, residues 311-331): CGADSYEMEE[Asp321Asn]GVRKCKKCEG

ClinVar aggregate classification (germline): Uncertain significance (1 of 4 stars; one submission).

Conditions:
EGFR-related lung cancer (EGFR). Identifiers: MedGen CN130014.

gnomAD v4.1: 1 of 1,614,102 alleles (0.000062%); highest among the groups gnomAD compares: Non-Finnish European, 0.000085%; no homozygotes.

Submission:

Labcorp Genetics (formerly Invitae), Labcorp
Classification: Uncertain significance for EGFR-related lung cancer. Last evaluated: 2025-02-18. Review status: criteria provided, single submitter. Criteria: Invitae Variant Classification Sherloc (09022015). Collection method: clinical testing. Allele origin: germline.
Comment: This sequence change replaces aspartic acid, which is acidic and polar, with asparagine, which is neutral and polar, at codon 321 of the EGFR protein (p.Asp321Asn). This variant is not present in population databases (gnomAD no frequency). This variant has not been reported in the literature in individuals affected with EGFR-related conditions. Invitae Evidence Modeling of protein sequence and biophysical properties (such as structural, functional, and spatial information, amino acid conservation, physicochemical variation, residue mobility, and thermodynamic stability) indicates that this missense variant is not expected to disrupt EGFR protein function with a negative predictive value of 80%. In summary, the available evidence is currently insufficient to determine the role of this variant in disease. Therefore, it has been classified as a Variant of Uncertain Significance.